The following is an entry in ClinVar:

NM_001378477.3(NYX):c.949T>C (p.Phe317Leu)

Gene: NYX (nyctalopin; plus strand). Cytogenetic location: Xp11.4.
Variant type: single nucleotide variant.
Coding change: c.949T>C on transcript NM_001378477.3 (MANE Select); coding-DNA position 949, T replaced by C.
Protein change: p.Phe317Leu; replaces phenylalanine 317 with leucine.
Molecular consequence: missense variant.
Genome position (GRCh38, 1-based): chrX:41,474,417, T>C. VCF-style: chrX-41474417-T-C. GRCh37 (hg19) VCF-style: chrX-41333670-T-C.
Other names: c.949T>C, p.Phe317Leu (NM_022567.3); c.964T>C (NM_022567.2); short protein forms F317L.
Identifiers: ClinVar variation 4693554 (VCV004693554.3).
Genomic context (GRCh38, chrX:41,474,417, plus strand): 5'-TCGGGTCTCCTCGCGCTGCACCTCAACGGCAACCGCCTCACCGTGCTCGCCTGGGTCGCC[T>C]TCCAGCCCGGCTTCTTCCTGGGCCGCCTCTTCCTCTTCCGCAACCCGTGGTGCTGCGACT-3'
Protein context (NP_001365406.2, residues 307-327): NRLTVLAWVA[Phe317Leu]QPGFFLGRLF

ClinVar aggregate classification (germline): Uncertain significance. Review status: criteria provided, multiple submitters, no conflicts (2 of 4 stars). 3 submissions from 3 submitters: Uncertain significance (3). Last evaluated 2026-08-05.

Conditions:
Inborn genetic diseases. Identifiers: MedGen C0950123, MeSH D030342.

Submissions (3):

Ambry Genetics
Classification: Uncertain significance for Inborn genetic diseases. Last evaluated: 2026-08-05. Review status: criteria provided, single submitter. Criteria: Ambry Variant Classification Scheme 2023. Collection method: clinical testing. Allele origin: germline.

Labcorp Genetics (formerly Invitae), Labcorp
Classification: Uncertain significance. Last evaluated: 2026-01-06. Review status: criteria provided, single submitter. Criteria: Invitae Variant Classification Sherloc (09022015). Collection method: clinical testing. Allele origin: germline.
Comment: This sequence change replaces phenylalanine, which is neutral and non-polar, with leucine, which is neutral and non-polar, at codon 322 of the NYX protein (p.Phe322Leu). The frequency data for this variant in the population databases is considered unreliable, as metrics indicate poor data quality at this position in the gnomAD database. This variant has not been reported in the literature in individuals affected with NYX-related conditions. Invitae Evidence Modeling of protein sequence and biophysical properties (such as structural, functional, and spatial information, amino acid conservation, physicochemical variation, residue mobility, and thermodynamic stability) indicates that this missense variant is not expected to disrupt NYX protein function with a negative predictive value of 80%. In summary, the available evidence is currently insufficient to determine the role of this variant in disease. Therefore, it has been classified as a Variant of Uncertain Significance.

Blueprint Genetics
Classification: Uncertain significance. Last evaluated: 2022-09-12. Review status: criteria provided, single submitter. Criteria: ACMG Guidelines, 2015. Collection method: clinical testing. Allele origin: germline.